The following is an entry in ClinVar:

NM_000095.3(COMP):c.1319G>T (p.Gly440Val)

Gene: COMP (cartilage oligomeric matrix protein; minus strand). Cytogenetic location: 19p13.11.
Variant type: single nucleotide variant.
Coding change: c.1319G>T on transcript NM_000095.3 (MANE Select); coding-DNA position 1319, G replaced by T.
Protein change: p.Gly440Val; replaces glycine 440 with valine.
Molecular consequence: missense variant.
Genome position (GRCh38, 1-based): chr19:18,786,135, C>A on the plus strand (G>T on the coding strand, the complement: COMP is on the minus strand). VCF-style: chr19-18786135-C-A. GRCh37 (hg19) VCF-style: chr19-18896945-C-A.
Other names: short protein forms G440V.
Identifiers: ClinVar variation 4291809 (VCV004291809.1).

ClinVar aggregate classification (germline): Pathogenic (1 of 4 stars; one submission).

Conditions:
Pseudoachondroplastic spondyloepiphyseal dysplasia syndrome (PSACH). Also called: PSEUDOACHONDROPLASTIC DYSPLASIA; Pseudoachondroplasia; COMP-Related Pseudoachondroplasia. Identifiers: Orphanet 750, MedGen C0410538, MONDO:0008322, OMIM 177170.

Submission:

3billion
Classification: Pathogenic for Pseudoachondroplastic spondyloepiphyseal dysplasia syndrome. Last evaluated: 2025-04-25. Review status: criteria provided, single submitter. Criteria: ACMG Guidelines, 2015. Collection method: clinical testing. Allele origin: germline. Affected: yes.
Comment: The variant is not observed in the gnomAD v4.1.0 dataset. Predicted Consequence/Location:Missense variant. Missense changes are a common disease-causing mechanism. In silico tool predictions suggest damaging effect of the variant on gene or gene product [REVEL: 0.93 (>=0.6, sensitivity 0.68 and specificity 0.92); 3Cnet: 1.00 (> 0.75, sensitivity 0.96 and precision 0.92)]. The same nucleotide change resulting in the same amino acid change has been previously reported as pathogenic/likely pathogenic with strong evidence (PMID: 38075060). Different missense changes at the same codon (p.Gly440Arg, p.Gly440Glu) have been reported as pathogenic/likely pathogenic with strong evidence (ClinVar ID: VCV000811306, VCV001074710, VCV001435721 / PMID: 21644213, 9452026, 9463320). Therefore, this variant is classified as Pathogenic according to the recommendation of ACMG/AMP guideline.

Literature cited by the submitters: PubMed 38075060; PubMed 21644213.